The following is an entry in ClinVar:

ClinVar aggregate classification (germline): Uncertain significance (1 of 4 stars; one submission).

Submission:

Ambry Genetics
Classification: Uncertain significance. Last evaluated: 2024-05-25. Review status: criteria provided, single submitter. Criteria: Ambry Variant Classification Scheme 2023. Collection method: clinical testing. Allele origin: germline.
Comment: The p.E648A variant (also known as c.1943A>C), located in coding exon 19 of the KIF1B gene, results from an A to C substitution at nucleotide position 1943. The glutamic acid at codon 648 is replaced by alanine, an amino acid with dissimilar properties. This amino acid position is highly conserved in available vertebrate species. In addition, the in silico prediction for this alteration is inconclusive. Since supporting evidence is limited at this time, the clinical significance of this alteration remains unclear.

NM_001365951.3(KIF1B):c.2081A>C (p.Glu694Ala)

Gene: KIF1B (kinesin family member 1B; plus strand). Cytogenetic location: 1p36.22.
Variant type: single nucleotide variant.
Coding change: c.2081A>C on transcript NM_001365951.3 (MANE Select); coding-DNA position 2081, A replaced by C.
Protein change: p.Glu694Ala; replaces glutamic acid 694 with alanine.
Molecular consequence: missense variant.
Genome position (GRCh38, 1-based): chr1:10,297,212, A>C. VCF-style: chr1-10297212-A-C. GRCh37 (hg19) VCF-style: chr1-10357270-A-C.
Other names: c.2081A>C, p.Glu694Ala (NM_001365952.1); c.1943A>C, p.Glu648Ala (NM_001365953.1, NM_015074.3, NM_183416.4); short protein forms E648A, E694A.
Identifiers: ClinVar variation 1783086 (VCV001783086.3), dbSNP rs2521404643, ClinGen allele CA338317917.